The following is an entry in ClinVar:

NM_001267550.2(TTN):c.21888T>G (p.Asp7296Glu)

Gene: TTN (titin; minus strand). Cytogenetic location: 2q31.2.
Variant type: single nucleotide variant.
Coding change: c.21888T>G on transcript NM_001267550.2 (MANE Select); coding-DNA position 21888, T replaced by G.
Protein change: p.Asp7296Glu; replaces aspartic acid 7296 with glutamic acid.
Molecular consequence: missense variant. On other transcripts: intron variant (3).
Genome position (GRCh38, 1-based): chr2:178,723,119, A>C on the plus strand (T>G on the coding strand, the complement: TTN is on the minus strand). VCF-style: chr2-178723119-A-C. GRCh37 (hg19) VCF-style: chr2-179587846-A-C.
Other names: c.20937T>G, p.Asp6979Glu (NM_001256850.1); c.18156T>G, p.Asp6052Glu (NM_133378.4); c.13282+14963T>G (NM_003319.4); c.13858+14963T>G (NM_133437.4); c.13657+14963T>G (NM_133432.3); short protein forms D6052E, D6979E, D7296E.
Identifiers: ClinVar variation 4977417 (VCV004977417.1).

ClinVar aggregate classification (germline): Uncertain significance (1 of 4 stars; one submission).

Conditions:
TTN-related disorder. Also called: TTN-related condition; TTN-related disease; TTN-related disorders.

gnomAD v4.1: 13 of 1,613,630 alleles (0.00081%); highest among the groups gnomAD compares: Non-Finnish European, 0.001%; no homozygotes.

Submission:

PreventionGenetics, part of Exact Sciences
Classification: Uncertain significance for TTN-related condition. Last evaluated: 2026-07-08. Review status: criteria provided, single submitter. Criteria: ACMG Guidelines, 2015. Collection method: clinical testing. Allele origin: germline.
Comment: The TTN c.21888T>G variant is predicted to result in the amino acid substitution p.Asp7296Glu. To our knowledge, this variant has not been reported in the literature. This variant is reported in 0.00089% of alleles in individuals of European (Non-Finnish) descent in gnomAD. At this time, the clinical significance of this variant is uncertain due to the absence of conclusive functional and genetic evidence.